The following is an entry in ClinVar:

NM_000092.5(COL4A4):c.3317G>T (p.Gly1106Val)

Gene: COL4A4 (collagen type IV alpha 4 chain; minus strand). Cytogenetic location: 2q36.3.
Variant type: single nucleotide variant.
Coding change: c.3317G>T on transcript NM_000092.5 (MANE Select); coding-DNA position 3317, G replaced by T.
Protein change: p.Gly1106Val; replaces glycine 1106 with valine.
Molecular consequence: missense variant.
Genome position (GRCh38, 1-based): chr2:227,043,157, C>A on the plus strand (G>T on the coding strand, the complement: COL4A4 is on the minus strand). VCF-style: chr2-227043157-C-A. GRCh37 (hg19) VCF-style: chr2-227907873-C-A.
Other names: short protein forms G1106V.
Identifiers: ClinVar variation 1705470 (VCV001705470.1), dbSNP rs1559482299, ClinGen allele CA350838543.
Genomic context (GRCh38, chr2:227,043,157, plus strand): 5'-GAGGAGCCAGGTGGCCCTGGCCTTCCAGGTGATCCTCTGGGCCCTTGAATACCAGGCAAG[C>A]CCTGCTCTCCGGATGCTCCAAAATGCCCTAAAGAAGGAAAGATCAAACATCAGAGTTGCC-3'
Protein context (NP_000083.3, residues 1096-1116): PGHFGASGEQ[Gly1106Val]LPGIQGPRGS

ClinVar aggregate classification (germline): Uncertain significance (1 of 4 stars; one submission).

Conditions:
Autosomal recessive Alport syndrome (ATS2). Also called: ALPORT SYNDROME 2, AUTOSOMAL RECESSIVE; COL4A3-Related Nephropathy; COL4A4 Alport Syndrome and Thin Basement Membrane Nephropathy; Alport syndrome type 2. Identifiers: Orphanet 63, Orphanet 88919, MedGen C4746745, MONDO:0008762, OMIM 203780.

Submission:

3billion
Classification: Uncertain significance for Autosomal recessive Alport syndrome. Last evaluated: 2022-09-01. Review status: criteria provided, single submitter. Criteria: ACMG Guidelines, 2015. Collection method: clinical testing. Allele origin: germline. Affected: yes. Observed: 1 heterozygote.
Comment: The variant is not observed in the gnomAD v2.1.1 dataset. In silico tool predictions suggest damaging effect of the variant on gene or gene product (REVEL: 0.97; 3Cnet: 0.96). Therefore, this variant is classified as uncertain significance according to the recommendation of ACMG/AMP guideline.